The following is an entry in ClinVar:

ClinVar aggregate classification (germline): Uncertain significance (1 of 4 stars; one submission).

Allele frequency attached by ClinVar (database versions not stated): gnomAD exomes 0.00001 and 0.00002; ExAC 0.00002; gnomAD 0.00002; TOPMed 0.00002.
gnomAD v4.1: 22 of 1,613,986 alleles (0.0014%); highest among the groups gnomAD compares: East Asian, 0.0022%; no homozygotes.

Submission:

Labcorp Genetics (formerly Invitae), Labcorp
Classification: Uncertain significance. Last evaluated: 2022-10-04. Review status: criteria provided, single submitter. Criteria: Invitae Variant Classification Sherloc (09022015). Collection method: clinical testing. Allele origin: germline.
Comment: This sequence change replaces arginine, which is basic and polar, with tryptophan, which is neutral and slightly polar, at codon 390 of the DHX38 protein (p.Arg390Trp). This variant is present in population databases (rs775888068, gnomAD 0.01%). This variant has not been reported in the literature in individuals affected with DHX38-related conditions. ClinVar contains an entry for this variant (Variation ID: 1445482). Advanced modeling of protein sequence and biophysical properties (such as structural, functional, and spatial information, amino acid conservation, physicochemical variation, residue mobility, and thermodynamic stability) performed at Invitae indicates that this missense variant is not expected to disrupt DHX38 protein function. In summary, the available evidence is currently insufficient to determine the role of this variant in disease. Therefore, it has been classified as a Variant of Uncertain Significance.

NM_014003.4(DHX38):c.1168C>T (p.Arg390Trp)

Gene: DHX38 (DEAH-box helicase 38; plus strand). Cytogenetic location: 16q22.2.
Variant type: single nucleotide variant.
Coding change: c.1168C>T on transcript NM_014003.4 (MANE Select); coding-DNA position 1168, C replaced by T.
Protein change: p.Arg390Trp; replaces arginine 390 with tryptophan.
Molecular consequence: missense variant.
Genome position (GRCh38, 1-based): chr16:72,100,487, C>T. VCF-style: chr16-72100487-C-T. GRCh37 (hg19) VCF-style: chr16-72134386-C-T.
Other names: short protein forms R390W.
Identifiers: ClinVar variation 1445482 (VCV001445482.5), dbSNP rs775888068, ClinGen allele CA8160231.